The following is an entry in ClinVar:

ClinVar aggregate classification (germline): Uncertain significance (1 of 4 stars; one submission).

Conditions:
Cardiomyopathy (CMYO). Also called: Cardiomyopathies. Identifiers: Orphanet 167848, MedGen C0878544, MONDO:0004994, HP:0001638. Inheritance: Various modes of inheritance.

Submission:

Color Diagnostics, LLC DBA Color Health
Classification: Uncertain significance for Cardiomyopathy. Last evaluated: 2024-03-06. Review status: criteria provided, single submitter. Criteria: ACMG Guidelines, 2015. Collection method: clinical testing. Allele origin: germline.
Comment: This missense variant replaces glycine with valine at codon 3156 of the RYR2 protein. Computational prediction tool suggests that this variant may have deleterious impact on protein structure and function (internally defined REVEL score threshold >=0.7, PMID: 27666373). Splice site prediction tools suggest that this variant may not impact RNA splicing. To our knowledge, functional studies have not been performed for this variant. This variant has not been reported in individuals affected with cardiovascular disorders in the literature. This variant has not been identified in the general population by the Genome Aggregation Database (gnomAD). The available evidence is insufficient to determine the role of this variant in disease conclusively. Therefore, this variant is classified as a Variant of Uncertain Significance.

NM_001035.3(RYR2):c.9467G>T (p.Gly3156Val)

Gene: RYR2 (ryanodine receptor 2; plus strand). Cytogenetic location: 1q43.
Variant type: single nucleotide variant.
Coding change: c.9467G>T on transcript NM_001035.3 (MANE Select); coding-DNA position 9467, G replaced by T.
Protein change: p.Gly3156Val; replaces glycine 3156 with valine.
Molecular consequence: missense variant.
Genome position (GRCh38, 1-based): chr1:237,705,230, G>T. VCF-style: chr1-237705230-G-T. GRCh37 (hg19) VCF-style: chr1-237868530-G-T.
Other names: short protein forms G3156V.
Identifiers: ClinVar variation 920012 (VCV000920012.4), dbSNP rs1688273617, ClinGen allele CA345407500.
Genomic context (GRCh38, chr1:237,705,230, plus strand): 5'-CTCACTTGGAAGACCTTAAAACATAAGCATTTTCCACTTATAGGCAACGTTCTGCATTAG[G>T]AGAATGTCTAGCTGCCTTTGCTGGTGCTTTTCCTGTAGCATTTTTGGAAACTCATCTGGA-3'
Protein context (NP_001026.2, residues 3146-3166): IYVERQRSAL[Gly3156Val]ECLAAFAGAF